The following is an entry in ClinVar:

NM_001253852.3(AP4B1):c.609C>T (p.Leu203=)

Gene: AP4B1 (adaptor related protein complex 4 subunit beta 1; minus strand). Cytogenetic location: 1p13.2.
Variant type: single nucleotide variant.
Coding change: c.609C>T on transcript NM_001253852.3 (MANE Select); coding-DNA position 609, C replaced by T.
Protein change: p.Leu203=; no amino-acid change (leucine 203 retained).
Molecular consequence: synonymous variant. On other transcripts: intron variant (5).
Genome position (GRCh38, 1-based): chr1:113,901,244, G>A on the plus strand (C>T on the coding strand, the complement: AP4B1 is on the minus strand). VCF-style: chr1-113901244-G-A. GRCh37 (hg19) VCF-style: chr1-114443866-G-A.
Other names: c.312C>T, p.Leu104= (NM_001253853.3); c.384C>T, p.Leu128= (NM_001437822.1, NM_001438377.1); c.609C>T, p.Leu203= (NM_001438373.1, NM_001438375.1, NM_006594.5); c.114-844C>T (NM_001438376.1, NM_001438379.1, NM_001308312.2); c.339-844C>T (NM_001438378.1, NM_001438374.1).
Identifiers: ClinVar variation 4085016 (VCV004085016.8).

ClinVar aggregate classification (germline): Likely benign (1 of 4 stars; one submission).

Submission:

CeGaT Center for Human Genetics Tuebingen
Classification: Likely benign. Last evaluated: 2025-08-01. Review status: criteria provided, single submitter. Criteria: CeGaT Center For Human Genetics Tuebingen Variant Classification Criteria Version 2. Collection method: clinical testing. Allele origin: germline. Affected: yes. Observed: 1 variant allele.
Comment: AP4B1: PM2:Supporting, BP4, BP7